The following is an entry in ClinVar:

NM_006231.4(POLE):c.3517G>A (p.Glu1173Lys)

Gene: POLE (DNA polymerase epsilon, catalytic subunit; minus strand). Cytogenetic location: 12q24.33.
Variant type: single nucleotide variant.
Coding change: c.3517G>A on transcript NM_006231.4 (MANE Select); coding-DNA position 3517, G replaced by A.
Protein change: p.Glu1173Lys; replaces glutamic acid 1173 with lysine.
Molecular consequence: missense variant.
Genome position (GRCh38, 1-based): chr12:132,657,201, C>T on the plus strand (G>A on the coding strand, the complement: POLE is on the minus strand). VCF-style: chr12-132657201-C-T. GRCh37 (hg19) VCF-style: chr12-133233787-C-T.
Other names: short protein forms E1173K.
Identifiers: ClinVar variation 945301 (VCV000945301.9), dbSNP rs2042562767, ClinGen allele CA387388565.

ClinVar aggregate classification (germline): Uncertain significance (1 of 4 stars; one submission).

Submission:

Labcorp Genetics (formerly Invitae), Labcorp
Classification: Uncertain significance. Last evaluated: 2019-05-22. Review status: criteria provided, single submitter. Criteria: Invitae Variant Classification Sherloc (09022015). Collection method: clinical testing. Allele origin: germline.
Comment: This sequence change replaces glutamic acid with lysine at codon 1173 of the POLE protein (p.Glu1173Lys). The glutamic acid residue is highly conserved and there is a small physicochemical difference between glutamic acid and lysine. In summary, the available evidence is currently insufficient to determine the role of this variant in disease. Therefore, it has been classified as a Variant of Uncertain Significance. Algorithms developed to predict the effect of missense changes on protein structure and function are either unavailable or do not agree on the potential impact of this missense change (SIFT: "Tolerated"; PolyPhen-2: "Possibly Damaging"; Align-GVGD: "Class C0"). This variant has not been reported in the literature in individuals with POLE-related conditions. This variant is not present in population databases (ExAC no frequency).